The following is an entry in ClinVar:

NM_001972.4(ELANE):c.38C>G (p.Ala13Gly)

Gene: ELANE (elastase, neutrophil expressed; plus strand). Cytogenetic location: 19p13.3.
Variant type: single nucleotide variant.
Coding change: c.38C>G on transcript NM_001972.4 (MANE Select); coding-DNA position 38, C replaced by G.
Protein change: p.Ala13Gly; replaces alanine 13 with glycine.
Molecular consequence: missense variant.
Genome position (GRCh38, 1-based): chr19:852,366, C>G. VCF-style: chr19-852366-C-G. GRCh37 (hg19) VCF-style: chr19-852366-C-G.
Other names: c.38C>G (LRG_57t1); short protein forms A13G.
Identifiers: ClinVar variation 535841 (VCV000535841.12), dbSNP rs756726256, ClinGen allele CA402914214.

ClinVar aggregate classification (germline): Uncertain significance (1 of 4 stars; one submission).

Conditions:
Neutropenia, severe congenital, 1, autosomal dominant. Identifiers: MedGen C1859966, MONDO:0042490, OMIM 202700.
Cyclical neutropenia. Also called: Cyclic hematopoiesis; Cyclic Neutropenia. Identifiers: Orphanet 2686, MedGen C0221023, MONDO:0008090, OMIM 162800, HP:0040289. Disease mechanism: loss of function.

gnomAD v4.1: 11 of 1,611,540 alleles (0.00068%); highest among the groups gnomAD compares: Non-Finnish European, 0.00093%; no homozygotes.

Submission:

Labcorp Genetics (formerly Invitae), Labcorp
Classification: Uncertain significance for Neutropenia, severe congenital, 1, autosomal dominant; Cyclical neutropenia. Last evaluated: 2025-10-13. Review status: criteria provided, single submitter. Criteria: Invitae Variant Classification Sherloc (09022015). Collection method: clinical testing. Allele origin: germline.
Comment: This sequence change replaces alanine, which is neutral and non-polar, with glycine, which is neutral and non-polar, at codon 13 of the ELANE protein (p.Ala13Gly). This variant is not present in population databases (gnomAD no frequency). This missense change has been observed in individual(s) with ELANE-related conditions (PMID: 35753512). ClinVar contains an entry for this variant (Variation ID: 535841). Invitae Evidence Modeling of protein sequence and biophysical properties (such as structural, functional, and spatial information, amino acid conservation, physicochemical variation, residue mobility, and thermodynamic stability) indicates that this missense variant is not expected to disrupt ELANE protein function with a negative predictive value of 95%. In summary, the available evidence is currently insufficient to determine the role of this variant in disease. Therefore, it has been classified as a Variant of Uncertain Significance.

Literature cited by the submitters: PubMed 35753512.